The following is an entry in ClinVar:

ClinVar aggregate classification (germline): Likely pathogenic. Review status: criteria provided, multiple submitters, no conflicts (2 of 4 stars). 2 submissions from 2 submitters: Likely pathogenic (2). Last evaluated 2025-11-22.

Conditions:
Dilated cardiomyopathy 1G (CMD1G). Identifiers: Orphanet 154, MedGen C1858763, MONDO:0011400, OMIM 604145.
Autosomal recessive limb-girdle muscular dystrophy type 2J (LGMDR10). Also called: Limb-girdle muscular dystrophy, type 2J; MUSCULAR DYSTROPHY, LIMB-GIRDLE, AUTOSOMAL RECESSIVE 10. Identifiers: Orphanet 140922, MedGen C1837342, MONDO:0012127, OMIM 608807.
Cardiovascular phenotype. Identifiers: MedGen CN230736.

Submissions (2):

Labcorp Genetics (formerly Invitae), Labcorp
Classification: Likely pathogenic for Dilated cardiomyopathy 1G; Autosomal recessive limb-girdle muscular dystrophy type 2J. Last evaluated: 2025-11-22. Review status: criteria provided, single submitter. Criteria: Invitae Variant Classification Sherloc (09022015). Collection method: clinical testing. Allele origin: germline.
Comment: This sequence change creates a premature translational stop signal (p.Asp19431*) in the TTN gene. While this is not anticipated to result in nonsense mediated decay, it is expected to create a truncated TTN protein. This variant is not present in population databases (gnomAD no frequency). This variant has not been reported in the literature in individuals affected with TTN-related conditions. ClinVar contains an entry for this variant (Variation ID: 2586542). This variant is located in the A band of TTN (PMID: 25589632). Truncating variants in this region are significantly overrepresented in patients affected with dilated cardiomyopathy (PMID: 25589632). Truncating variants in this region have also been reported in individuals affected with autosomal recessive centronuclear myopathy (PMID: 23975875). In summary, the currently available evidence indicates that the variant is pathogenic, but additional data are needed to prove that conclusively. Therefore, this variant has been classified as Likely Pathogenic.

Ambry Genetics
Classification: Likely pathogenic for Cardiovascular phenotype. Last evaluated: 2023-07-22. Review status: criteria provided, single submitter. Criteria: Ambry Variant Classification Scheme 2023. Collection method: clinical testing. Allele origin: germline.
Comment: The c.31095dupT variant, located in coding exon 124 of the TTN gene, results from a duplication of T at nucleotide position 31095, causing a translational frameshift with a predicted alternate stop codon (p.D10366*). This exon is located in the A-band region of the N2-B isoform of the titin protein and is constitutively expressed in TTN transcripts (percent spliced in or PSI 100%). This variant is considered to be rare based on population cohorts in the Genome Aggregation Database (gnomAD). This alteration is expected to result in loss of function by premature protein truncation or nonsense-mediated mRNA decay. While truncating variants in TTN are present in 1-3% of the general population, truncating variants in the A-band are the most common cause of dilated cardiomyopathy (DCM) (Herman DS et al. N. Engl. J. Med., 2012 Feb;366:619-28; Roberts AM et al. Sci Transl Med, 2015 Jan;7:270ra6). TTN truncating variants encoded in constitutive exons (PSI >90%) have been found to be significantly associated with DCM regardless of their position in titin (Schafer S et al. Nat. Genet., 2017 01;49:46-53). Based on the majority of available evidence to date, this variant is likely to be pathogenic.

Literature cited by the submitters: PubMed 25589632 (cited by Labcorp Genetics (formerly Invitae), Labcorp); PubMed 23975875 (cited by Labcorp Genetics (formerly Invitae), Labcorp).

NM_001267550.2(TTN):c.58290dup (p.Asp19431Ter)

Genes: TTN-AS1 (TTN antisense RNA 1; plus strand), TTN (titin; minus strand). Cytogenetic location: 2q31.2.
Variant type: Duplication.
Coding change: c.58290dup on transcript NM_001267550.2 (MANE Select); coding-DNA position 58290, one base duplicated (T; older notation c.58290dupT).
Protein change: p.Asp19431Ter; replaces aspartic acid 19431 with a stop codon.
Molecular consequence: nonsense.
Genome position (GRCh38, 1-based): chr2:178,594,103, A duplicated on the plus strand (T on the coding strand, the reverse complement: TTN is on the minus strand). VCF-style (leftmost placement, unchanged base first): chr2-178594102-C-CA. GRCh37 (hg19) VCF-style: chr2-179458829-C-CA.
Other names: c.53367dup, p.Asp17790Ter (NM_001256850.1); c.31095dup, p.Asp10366Ter (NM_003319.4); c.50586dup, p.Asp16863Ter (NM_133378.4); c.31470dup, p.Asp10491Ter (NM_133432.3); c.31671dup, p.Asp10558Ter (NM_133437.4); c.31095dupT (NM_003319.4); short protein forms D10491*, D10366*, D17790*, D19431*, D10558*, D16863*.
Identifiers: ClinVar variation 2586542 (VCV002586542.3), dbSNP rs2469615248, ClinGen allele CA2582342049.